The following is an entry in ClinVar:

NM_001352514.2(HLCS):c.*521C>T

Gene: HLCS (holocarboxylase synthetase; minus strand). Cytogenetic location: 21q22.13.
Variant type: single nucleotide variant.
Coding change: c.*521C>T on transcript NM_001352514.2 (MANE Select); 521 bases downstream of the stop codon, C replaced by T.
Molecular consequence: 3 prime UTR variant. On other transcripts: non-coding transcript variant (2).
Genome position (GRCh38, 1-based): chr21:36,753,725, G>A on the plus strand (C>T on the coding strand, the complement: HLCS is on the minus strand). VCF-style: chr21-36753725-G-A. GRCh37 (hg19) VCF-style: chr21-38126026-G-A.
Other names: c.*521C>T (NM_000411.8, NM_001242784.3, NM_001242785.2 and 4 more transcripts).
Identifiers: ClinVar variation 339952 (VCV000339952.5), dbSNP rs9967991, ClinGen allele CA10653615.

ClinVar aggregate classification (germline): Benign (1 of 4 stars; one submission).

Conditions:
Holocarboxylase synthetase deficiency. Also called: MULTIPLE CARBOXYLASE DEFICIENCY, EARLY ONSET. Identifiers: Orphanet 79242, MedGen C0268581, MONDO:0009666, OMIM 253270.

Allele frequency attached by ClinVar (database versions not stated): gnomAD exomes 0.00264; gnomAD 0.04381 and 0.04663; TOPMed 0.04873; 1000 Genomes Project 0.05531; 1000 Genomes Project 30x 0.06074.
gnomAD v4.1: 6,673 of 173,682 alleles (3.8%); highest among the groups gnomAD compares: African/African-American, 15%; 472 homozygotes.

Submission:

Illumina Laboratory Services, Illumina
Classification: Benign for Holocarboxylase synthetase deficiency. Last evaluated: 2018-01-13. Review status: criteria provided, single submitter. Criteria: ICSL Variant Classification Criteria 13 December 2019. Collection method: clinical testing. Allele origin: germline.
Comment: This variant was observed in the ICSL laboratory as part of a predisposition screen in an ostensibly healthy population. It had not been previously curated by ICSL or reported in the Human Gene Mutation Database (HGMD: prior to June 1st, 2018), and was therefore a candidate for classification through an automated scoring system. Utilizing variant allele frequency, disease prevalence and penetrance estimates, and inheritance mode, an automated score was calculated to assess if this variant is too frequent to cause the disease. Based on the score and internal cut-off values, a variant classified as benign is not then subjected to further curation. The score for this variant resulted in a classification of benign for this disease.